The following is an entry in ClinVar:

ClinVar aggregate classification (germline): Uncertain significance (1 of 4 stars; one submission).

Conditions:
Inborn genetic diseases. Identifiers: MedGen C0950123, MeSH D030342.

gnomAD v4.1: 1 of 1,606,782 alleles (0.000062%); highest among the groups gnomAD compares: Non-Finnish European, 0.000085%; no homozygotes.

Submission:

Ambry Genetics
Classification: Uncertain significance for Inborn genetic diseases. Last evaluated: 2025-10-28. Review status: criteria provided, single submitter. Criteria: Ambry Variant Classification Scheme 2023. Collection method: clinical testing. Allele origin: germline.
Comment: The p.S722Y variant (also known as c.2165C>A), located in coding exon 21 of the ANKRD26 gene, results from a C to A substitution at nucleotide position 2165. The serine at codon 722 is replaced by tyrosine, an amino acid with dissimilar properties. This amino acid position is conserved. In addition, this alteration is predicted to be tolerated by in silico analysis. Based on the available evidence, the clinical significance of this variant remains unclear.

NM_014915.3(ANKRD26):c.2165C>A (p.Ser722Tyr)

Gene: ANKRD26 (ankyrin repeat domain 26; minus strand). Cytogenetic location: 10p12.1.
Variant type: single nucleotide variant.
Coding change: c.2165C>A on transcript NM_014915.3 (MANE Select); coding-DNA position 2165, C replaced by A.
Protein change: p.Ser722Tyr; replaces serine 722 with tyrosine.
Molecular consequence: missense variant.
Genome position (GRCh38, 1-based): chr10:27,040,175, G>T on the plus strand (C>A on the coding strand, the complement: ANKRD26 is on the minus strand). VCF-style: chr10-27040175-G-T. GRCh37 (hg19) VCF-style: chr10-27329104-G-T.
Other names: c.2162C>A, p.Ser721Tyr (NM_001256053.2); short protein forms S721Y, S722Y.
Identifiers: ClinVar variation 4579691 (VCV004579691.1).